The following is an entry in ClinVar:

NM_024926.4(IFT56):c.513A>T (p.Ile171=)

Gene: IFT56 (intraflagellar transport 56; plus strand). Cytogenetic location: 7q34.
Variant type: single nucleotide variant.
Coding change: c.513A>T on transcript NM_024926.4 (MANE Select); coding-DNA position 513, A replaced by T.
Protein change: p.Ile171=; no amino-acid change (isoleucine 171 retained).
Molecular consequence: synonymous variant. On other transcripts: intron variant (2).
Genome position (GRCh38, 1-based): chr7:139,147,258, A>T. VCF-style: chr7-139147258-A-T. GRCh37 (hg19) VCF-style: chr7-138832004-A-T.
Other names: c.513A>T, p.Ile171= (NM_001144920.3, NM_001321740.2, NM_001321742.2); c.420A>T, p.Ile140= (NM_001144923.3); c.198A>T, p.Ile66= (NM_001287513.2); c.93A>T, p.Ile31= (NM_001318333.2); c.399+4953A>T (NM_001321741.2, NM_001287512.2).
Identifiers: ClinVar variation 4988583 (VCV004988583.1).

ClinVar aggregate classification (germline): Likely benign (1 of 4 stars; one submission).

Conditions:
IFT56-related disorder. Also called: IFT56-related condition.

gnomAD v4.1: 2 of 1,613,130 alleles (0.00012%); highest among the groups gnomAD compares: Admixed American, 0.0017%; no homozygotes.

Submission:

PreventionGenetics, part of Exact Sciences
Classification: Likely benign for IFT56-related condition. Last evaluated: 2026-09-03. Review status: criteria provided, single submitter. Criteria: ACMG Guidelines, 2015. Collection method: clinical testing. Allele origin: germline.
Comment: This variant is classified as likely benign based on ACMG/AMP sequence variant interpretation guidelines (Richards et al. 2015 PMID: 25741868, with internal and published modifications).